The following is an entry in ClinVar:

NM_206933.4(USH2A):c.12093del (p.Leu4030_Tyr4031insTer)

Gene: USH2A (usherin; minus strand). Cytogenetic location: 1q41.
Variant type: Deletion.
Coding change: c.12093del on transcript NM_206933.4 (MANE Select); coding-DNA position 12093, one base deleted (C; older notation c.12093delC).
Protein change: p.Leu4030_Tyr4031insTer.
Molecular consequence: nonsense.
Genome position (GRCh38, 1-based): chr1:215,680,350, G deleted on the plus strand (C on the coding strand, the reverse complement: USH2A is on the minus strand). VCF-style (leftmost placement, unchanged base first): chr1-215680349-CG-C. GRCh37 (hg19) VCF-style: chr1-215853691-CG-C.
Other names: c.12093delC (NM_206933.2).
Identifiers: ClinVar variation 957969 (VCV000957969.10), dbSNP rs1658186071, ClinGen allele CA1139656552.

ClinVar aggregate classification (germline): Pathogenic. Review status: criteria provided, multiple submitters, no conflicts (2 of 4 stars). 2 submissions from 2 submitters: Pathogenic (2). Last evaluated 2026-02-17.

Conditions:
USH2A-related disorder. Also called: USH2A-related disorders; USH2A-related condition. Identifiers: MedGen CN239332.

Submissions (2):

PreventionGenetics, part of Exact Sciences
Classification: Pathogenic for USH2A-related condition. Last evaluated: 2026-02-17. Review status: criteria provided, single submitter. Criteria: ACMG Guidelines, 2015. Collection method: clinical testing. Allele origin: germline.
Comment: The USH2A c.12093delC variant is predicted to result in premature protein termination (p.Tyr4031*). This variant has been reported in the compound heterozygous state in individuals with Usher syndrome 2 (Garcia-Garcia et al. 2011. PubMed ID: 22004887), inherited retinal disorder (Ezquerra-Inchausti et al. 2018. PubMed ID: 30337596), and retinitis pigmentosa (Diñeiro et al. 2020. PubMed ID: 32483926). It has also been reported in the homozygous state in an individual with Usher syndrome 2 (Fuster-García et al. 2018. PubMed ID: 30459346). This variant has not been reported in a large population database (gnomAD), indicating this variant is rare. Nonsense variants in USH2A are expected to be pathogenic. This variant is interpreted as pathogenic.

Labcorp Genetics (formerly Invitae), Labcorp
Classification: Pathogenic. Last evaluated: 2022-11-23. Review status: criteria provided, single submitter. Criteria: Invitae Variant Classification Sherloc (09022015). Collection method: clinical testing. Allele origin: germline.
Comment: This variant is not present in population databases (gnomAD no frequency). This sequence change creates a premature translational stop signal (p.Tyr4031*) in the USH2A gene. It is expected to result in an absent or disrupted protein product. Loss-of-function variants in USH2A are known to be pathogenic (PMID: 10729113, 10909849, 20507924, 25649381). This premature translational stop signal has been observed in individual(s) with Usher syndrome or retinitis pigmentosa (PMID: 22004887, 30337596, 30459346). For these reasons, this variant has been classified as Pathogenic. ClinVar contains an entry for this variant (Variation ID: 957969).

Literature cited by the submitters: PubMed 10729113 (cited by Labcorp Genetics (formerly Invitae), Labcorp); PubMed 10909849 (cited by Labcorp Genetics (formerly Invitae), Labcorp); PubMed 20507924 (cited by Labcorp Genetics (formerly Invitae), Labcorp); PubMed 25649381 (cited by Labcorp Genetics (formerly Invitae), Labcorp); PubMed 22004887 (cited by Labcorp Genetics (formerly Invitae), Labcorp); PubMed 30337596 (cited by Labcorp Genetics (formerly Invitae), Labcorp); PubMed 30459346 (cited by Labcorp Genetics (formerly Invitae), Labcorp).